The following is an entry in ClinVar:

NM_004329.3(BMPR1A):c.1342+3G>A

Gene: BMPR1A (bone morphogenetic protein receptor type 1A; plus strand). Cytogenetic location: 10q23.2.
Variant type: single nucleotide variant.
Coding change: c.1342+3G>A on transcript NM_004329.3 (MANE Select); 3 bases into the intron after coding-DNA position 1342, G replaced by A.
Molecular consequence: intron variant.
Genome position (GRCh38, 1-based): chr10:86,921,698, G>A. VCF-style: chr10-86921698-G-A. GRCh37 (hg19) VCF-style: chr10-88681455-G-A.
Other names: c.1342+3G>A (NM_004329.2).
Identifiers: ClinVar variation 1488284 (VCV001488284.8), dbSNP rs2133608987, ClinGen allele CA2573145721.

ClinVar aggregate classification (germline): Conflicting classifications of pathogenicity. Review status: criteria provided, conflicting classifications (1 of 4 stars). 3 submissions from 3 submitters: Uncertain significance (2); Likely benign (1). Last evaluated 2026-07-17.

Conditions:
Hereditary cancer-predisposing syndrome. Also called: Hereditary Cancer Syndrome; Tumor predisposition; Neoplastic Syndromes, Hereditary; Hereditary neoplastic syndrome. Identifiers: Orphanet 140162, MedGen C0027672, MeSH D009386, MONDO:0015356.
Juvenile polyposis syndrome (JPS). Identifiers: Orphanet 2929, MedGen C0345893, MONDO:0017380, OMIM 174900.

Allele frequency attached by ClinVar (database versions not stated): gnomAD exomes below 0.00001.
gnomAD v4.1: 1 of 1,614,162 alleles (0.000062%); highest among the groups gnomAD compares: South Asian, 0.0011%; no homozygotes.

Submissions (3):

Ambry Genetics
Classification: Uncertain significance for Hereditary cancer-predisposing syndrome. Last evaluated: 2026-07-17. Review status: criteria provided, single submitter. Criteria: Ambry Variant Classification Scheme 2023. Collection method: clinical testing. Allele origin: germline.
Comment: The c.1342+3G>A intronic variant results from a G to A substitution 3 nucleotides after coding exon 9 in the BMPR1A gene. This nucleotide position is poorly conserved in available vertebrate species. In silico splice site analysis predicts that this alteration will not have any significant effect on splicing. Based on the available evidence, the clinical significance of this variant remains unclear.

Myriad Genetics, Inc.
Classification: Likely benign for Juvenile polyposis syndrome. Last evaluated: 2024-08-07. Review status: criteria provided, single submitter. Criteria: Myriad Autosomal Dominant, Autosomal Recessive and X-Linked Classification Criteria (2023). Collection method: clinical testing. Allele origin: unknown.
Comment: This variant is considered likely benign. This variant is intronic and is not expected to impact mRNA splicing.

Labcorp Genetics (formerly Invitae), Labcorp
Classification: Uncertain significance for Juvenile polyposis syndrome. Last evaluated: 2022-07-06. Review status: criteria provided, single submitter. Criteria: Invitae Variant Classification Sherloc (09022015). Collection method: clinical testing. Allele origin: germline.
Comment: In summary, the available evidence is currently insufficient to determine the role of this variant in disease. Therefore, it has been classified as a Variant of Uncertain Significance. Variants that disrupt the consensus splice site are a relatively common cause of aberrant splicing (PMID: 17576681, 9536098). Algorithms developed to predict the effect of sequence changes on RNA splicing suggest that this variant is not likely to affect RNA splicing. ClinVar contains an entry for this variant (Variation ID: 1488284). This variant has not been reported in the literature in individuals affected with BMPR1A-related conditions. This variant is not present in population databases (gnomAD no frequency). This sequence change falls in intron 11 of the BMPR1A gene. It does not directly change the encoded amino acid sequence of the BMPR1A protein. It affects a nucleotide within the consensus splice site.

Literature cited by the submitters: PubMed 17576681 (cited by Labcorp Genetics (formerly Invitae), Labcorp); PubMed 9536098 (cited by Labcorp Genetics (formerly Invitae), Labcorp).